The following is an entry in ClinVar:

ClinVar aggregate classification (germline): Conflicting classifications of pathogenicity. Review status: criteria provided, conflicting classifications (1 of 4 stars). 2 submissions from 2 submitters: Uncertain significance (1); Likely benign (1). Last evaluated 2025-06-19.

Conditions:
Intellectual developmental disorder, autosomal dominant 1. Also called: Intellectual disability, autosomal dominant 1; MBD5 Haploinsufficiency. Identifiers: Orphanet 228402, MedGen C1969562, MONDO:0007974, OMIM 156200.

Allele frequency attached by ClinVar (database versions not stated): gnomAD 0.00001; gnomAD exomes 0.00001 and below 0.00001; TOPMed below 0.00001; ExAC 0.00001.
gnomAD v4.1: 9 of 1,613,808 alleles (0.00056%); highest among the groups gnomAD compares: Non-Finnish European, 0.00076%; no homozygotes.

Submissions (2):

Labcorp Genetics (formerly Invitae), Labcorp
Classification: Likely benign for Intellectual developmental disorder, autosomal dominant 1. Last evaluated: 2025-06-19. Review status: criteria provided, single submitter. Criteria: Invitae Variant Classification Sherloc (09022015). Collection method: clinical testing. Allele origin: germline.

GeneDx
Classification: Uncertain significance. Last evaluated: 2018-11-21. Review status: criteria provided, single submitter. Criteria: GeneDx Variant Classification Process June 2021. Collection method: clinical testing. Allele origin: germline. Affected: yes.
Comment: Not observed at a significant frequency in large population cohorts (Lek et al., 2016); In silico analysis, which includes splice predictors and evolutionary conservation, supports that this variant does not alter protein structure/function.; Has not been previously published as pathogenic or benign to our knowledge

NM_001378120.1(MBD5):c.2277G>A (p.Val759=)

Gene: MBD5 (methyl-CpG binding domain protein 5; plus strand). Cytogenetic location: 2q23.1.
Variant type: single nucleotide variant.
Coding change: c.2277G>A on transcript NM_001378120.1 (MANE Select); coding-DNA position 2277, G replaced by A.
Protein change: p.Val759=; no amino-acid change (valine 759 retained).
Molecular consequence: synonymous variant.
Genome position (GRCh38, 1-based): chr2:148,470,220, G>A. VCF-style: chr2-148470220-G-A. GRCh37 (hg19) VCF-style: chr2-149227789-G-A.
Other names: c.2277G>A, p.Val759= (NM_018328.5).
Identifiers: ClinVar variation 331337 (VCV000331337.11), dbSNP rs750839601, ClinGen allele CA1900115.